The following is an entry in ClinVar:

ClinVar aggregate classification (germline): Pathogenic. Review status: criteria provided, multiple submitters, no conflicts (2 of 4 stars). 2 submissions from 2 submitters: Pathogenic (2). Last evaluated 2022-10-28.

Conditions:
Familial thoracic aortic aneurysm and aortic dissection (TAAD). Also called: Thoracic aortic aneurysms and dissections. Identifiers: Orphanet 91387, MedGen C4707243, MONDO:0019625.
Marfan syndrome (MFS). Also called: Marfan syndrome type 1; Marfan's syndrome; Marfan syndrome, classic; MARFAN SYNDROME, TYPE I; FBN1-Related Marfan Syndrome. Identifiers: Orphanet 284963, Orphanet 558, MedGen C0024796, MONDO:0007947, OMIM 154700.

Submissions (2):

Labcorp Genetics (formerly Invitae), Labcorp
Classification: Pathogenic for Marfan syndrome; Familial thoracic aortic aneurysm and aortic dissection. Last evaluated: 2022-10-28. Review status: criteria provided, single submitter. Criteria: Invitae Variant Classification Sherloc (09022015). Collection method: clinical testing. Allele origin: germline.
Comment: For these reasons, this variant has been classified as Pathogenic. Algorithms developed to predict the effect of sequence changes on RNA splicing suggest that this variant may disrupt the consensus splice site. ClinVar contains an entry for this variant (Variation ID: 1163971). Disruption of this splice site has been observed in individuals with clinical features of FBN1-related conditions (PMID: 6220557, 24793577, 33174221). This variant is not present in population databases (gnomAD no frequency). This sequence change affects a donor splice site in intron 27 of the FBN1 gene. It is expected to disrupt RNA splicing. Variants that disrupt the donor or acceptor splice site typically lead to a loss of protein function (PMID: 16199547), and loss-of-function variants in FBN1 are known to be pathogenic (PMID: 17657824, 19293843).

Mayo Clinic Laboratories, Mayo Clinic
Classification: Pathogenic. Last evaluated: 2020-09-23. Review status: criteria provided, single submitter. Criteria: ACMG Guidelines, 2015. Collection method: clinical testing. Allele origin: germline. Observed: 1 variant allele.
Comment: PVS1, PM2, PP3

Literature cited by the submitters: PubMed 6220557 (cited by Labcorp Genetics (formerly Invitae), Labcorp); PubMed 24793577 (cited by Labcorp Genetics (formerly Invitae), Labcorp); PubMed 33174221 (cited by Labcorp Genetics (formerly Invitae), Labcorp); PubMed 16199547 (cited by Labcorp Genetics (formerly Invitae), Labcorp); PubMed 17657824 (cited by Labcorp Genetics (formerly Invitae), Labcorp); PubMed 19293843 (cited by Labcorp Genetics (formerly Invitae), Labcorp).

NM_000138.5(FBN1):c.3337+2T>C

Gene: FBN1 (fibrillin 1; minus strand). Cytogenetic location: 15q21.1.
Variant type: single nucleotide variant.
Coding change: c.3337+2T>C on transcript NM_000138.5 (MANE Select); the canonical splice donor site of the intron after coding-DNA position 3337, T replaced by C.
Molecular consequence: splice donor variant.
Genome position (GRCh38, 1-based): chr15:48,488,111, A>G on the plus strand (T>C on the coding strand, the complement: FBN1 is on the minus strand). VCF-style: chr15-48488111-A-G. GRCh37 (hg19) VCF-style: chr15-48780308-A-G.
Other names: c.3337+2T>C (NM_001406716.1).
Identifiers: ClinVar variation 1163971 (VCV001163971.9), dbSNP rs2141294575, ClinGen allele CA392326956.
Genomic context (GRCh38, chr15:48,488,111, plus strand): 5'-GAGCCATCAAAGCTTCATGGAATCCTTCTCTTTCTGTGTTGATCAAATGATCCCAAACTT[A>G]CCCATGCAGTTCTTCATCATCATGAATCCACTTTCATAGCCTTCGTCACACTTGCATTCA-3'